The following is an entry in ClinVar:

NM_177531.6(PKHD1L1):c.8101G>A (p.Gly2701Arg)

Gene: PKHD1L1 (PKHD1 like 1; plus strand). Cytogenetic location: 8q23.1.
Variant type: single nucleotide variant.
Coding change: c.8101G>A on transcript NM_177531.6 (MANE Select); coding-DNA position 8101, G replaced by A.
Protein change: p.Gly2701Arg; replaces glycine 2701 with arginine.
Molecular consequence: missense variant.
Genome position (GRCh38, 1-based): chr8:109,464,933, G>A. VCF-style: chr8-109464933-G-A. GRCh37 (hg19) VCF-style: chr8-110477162-G-A.
Other names: short protein forms G2701R.
Identifiers: ClinVar variation 4982512 (VCV004982512.1).
Genomic context (GRCh38, chr8:109,464,933, plus strand): 5'-GCTGGAATTGAGACTAAGAGGATCCTGGCTCCTTATGTTGGAGGGTGGGGTGAAACCAAT[G>A]GAGCGGTGATTAAAAATGCCAAAATAGTCGGCCATCTTGATGAACTGGGAATGGGGTCTG-3'
Protein context (NP_803875.2, residues 2691-2711): PYVGGWGETN[Gly2701Arg]AVIKNAKIVG

ClinVar aggregate classification (germline): Uncertain significance (1 of 4 stars; one submission).

Conditions:
PKHD1L1-related disorder. Also called: PKHD1L1-related condition.

gnomAD v4.1: 975 of 1,613,840 alleles (0.06%); highest among the groups gnomAD compares: Non-Finnish European, 0.079%; 3 homozygotes.

Submission:

PreventionGenetics, part of Exact Sciences
Classification: Uncertain significance for PKHD1L1-related condition. Last evaluated: 2025-08-20. Review status: criteria provided, single submitter. Criteria: ACMG Guidelines, 2015. Collection method: clinical testing. Allele origin: germline.
Comment: The PKHD1L1 c.8101G>A variant is predicted to result in the amino acid substitution p.Gly2701Arg. To our knowledge, this variant has not been reported in the literature. This variant is reported in 0.086% of alleles in individuals of European (Non-Finnish) descent in gnomAD. Although we suspect that this variant may be benign, at this time, the clinical significance of this variant is uncertain due to the absence of conclusive functional and genetic evidence.